The following is an entry in ClinVar:

ClinVar aggregate classification (germline): Conflicting classifications of pathogenicity. Review status: criteria provided, conflicting classifications (1 of 4 stars). 2 submissions from 2 submitters: Uncertain significance (1); Likely benign (1). Last evaluated 2024-11-20.

Conditions:
DYRK1A-related intellectual disability syndrome (MRD7). Also called: DYRK1A Syndrome; Intellectual developmental disorder, autosomal dominant 7. Identifiers: Orphanet 464306, MedGen C5568143, MONDO:0013578, OMIM 614104.

gnomAD v4.1: 1 of 1,608,030 alleles (0.000062%); highest among the groups gnomAD compares: Non-Finnish European, 0.000085%; no homozygotes.

Submissions (2):

Dasa
Classification: Uncertain significance. Last evaluated: 2024-11-20. Review status: criteria provided, single submitter. Criteria: DASA Assertion Criteria. Collection method: clinical testing. Allele origin: germline.
Comment: NM_001347721.2(DYRK1A):c.1520-5T>G is a splice-region variant. This variant is rare in population databases. Computational prediction algorithms are consistent with a benign effect. The currently available literature and clinical evidence are not sufficient to establish a definitive association between this variant and the reported condition. Therefore, this variant is classified as a variant of uncertain significance.

Labcorp Genetics (formerly Invitae), Labcorp
Classification: Likely benign for DYRK1A-related intellectual disability syndrome. Last evaluated: 2024-10-24. Review status: criteria provided, single submitter. Criteria: Invitae Variant Classification Sherloc (09022015). Collection method: clinical testing. Allele origin: germline.

NM_001347721.2(DYRK1A):c.1520-5T>G

Gene: DYRK1A (dual specificity tyrosine phosphorylation regulated kinase 1A; plus strand). Cytogenetic location: 21q22.13.
Variant type: single nucleotide variant.
Coding change: c.1520-5T>G on transcript NM_001347721.2 (MANE Select); 5 bases into the intron before coding-DNA position 1520, T replaced by G.
Molecular consequence: intron variant.
Genome position (GRCh38, 1-based): chr21:37,506,094, T>G. VCF-style: chr21-37506094-T-G. GRCh37 (hg19) VCF-style: chr21-38878397-T-G.
Other names: c.1547-5T>G (NM_001396.5, NM_101395.2); c.1520-5T>G (NM_001347722.2, NM_130436.2); c.1433-5T>G (NM_001347723.2); c.1546+505T>G (NM_130438.2).
Identifiers: ClinVar variation 1414367 (VCV001414367.8), dbSNP rs2148651481, ClinGen allele CA2573157411.
Genomic context (GRCh38, chr21:37,506,094, plus strand): 5'-GTATAAATTTGAACAAAATGAATTTTAAACTCACAGTTGTATTGTTTTGTGTTGTGATAT[T>G]TCAGGTGGCTCATCGGGGACAAGCAACAGTGGGAGAGCCCGGTCGGATCCGACGCACCAG-3'